The following is an entry in ClinVar:

ClinVar aggregate classification (germline): Uncertain significance (1 of 4 stars; one submission).

Submission:

Labcorp Genetics (formerly Invitae), Labcorp
Classification: Uncertain significance. Last evaluated: 2024-01-03. Review status: criteria provided, single submitter. Criteria: Invitae Variant Classification Sherloc (09022015). Collection method: clinical testing. Allele origin: germline.
Comment: This sequence change replaces cysteine, which is neutral and slightly polar, with phenylalanine, which is neutral and non-polar, at codon 479 of the SLC4A1 protein (p.Cys479Phe). Information on the frequency of this variant in the gnomAD database is not available, as this variant may be reported differently in the database. This variant has not been reported in the literature in individuals affected with SLC4A1-related conditions. An algorithm developed to predict the effect of missense changes on protein structure and function (PolyPhen-2) suggests that this variant is likely to be disruptive. In summary, the available evidence is currently insufficient to determine the role of this variant in disease. Therefore, it has been classified as a Variant of Uncertain Significance.

NM_000342.4(SLC4A1):c.1436_1437delinsTT (p.Cys479Phe)

Gene: SLC4A1 (solute carrier family 4 member 1 (Diego blood group); minus strand). Cytogenetic location: 17q21.31.
Variant type: Indel.
Coding change: c.1436_1437delinsTT on transcript NM_000342.4 (MANE Select); coding-DNA positions 1436 to 1437, GC replaced by TT.
Protein change: p.Cys479Phe; replaces cysteine 479 with phenylalanine.
Molecular consequence: missense variant.
Genome position (GRCh38, 1-based): chr17:44,257,539-44,257,540, GC replaced by AA on the plus strand (GC replaced by TT on the coding strand, the reverse complement: SLC4A1 is on the minus strand). VCF-style: chr17-44257539-GC-AA. GRCh37 (hg19) VCF-style: chr17-42334907-GC-AA.
Other names: short protein forms C479F.
Identifiers: ClinVar variation 2707219 (VCV002707219.3), dbSNP rs2509965804, ClinGen allele CA2697559941.
Genomic context (GRCh38, chr17:44,257,539, plus strand): 5'-CAGGATGAGCCAGAAGCCGATCCACACGCGGCCCACGATGTACTCTAGACCGTTGGTCTC[GC>AA]AGAACTGCAGGGTGGTCAGAAGAAGCCGGTCAGTCAAAGGGTCTTGGGGCAAGGCACCAT-3'
Protein context (NP_000333.1, residues 469-489): LVFEEAFFSF[Cys479Phe]ETNGLEYIVG